The following is an entry in ClinVar:

ClinVar aggregate classification (germline): Uncertain significance (1 of 4 stars; one submission).

Conditions:
Charcot-Marie-Tooth disease dominant intermediate C (CMTDIC). Also called: CHARCOT-MARIE-TOOTH NEUROPATHY, DOMINANT INTERMEDIATE C. Identifiers: Orphanet 100045, MedGen C1842237, MONDO:0012012, OMIM 608323.

Submission:

Labcorp Genetics (formerly Invitae), Labcorp
Classification: Uncertain significance for Charcot-Marie-Tooth disease dominant intermediate C. Last evaluated: 2025-06-12. Review status: criteria provided, single submitter. Criteria: Invitae Variant Classification Sherloc (09022015). Collection method: clinical testing. Allele origin: germline.
Comment: This sequence change replaces threonine, which is neutral and polar, with asparagine, which is neutral and polar, at codon 44 of the YARS protein (p.Thr44Asn). This variant is not present in population databases (gnomAD no frequency). This variant has not been reported in the literature in individuals affected with YARS-related conditions. Invitae Evidence Modeling of protein sequence and biophysical properties (such as structural, functional, and spatial information, amino acid conservation, physicochemical variation, residue mobility, and thermodynamic stability) indicates that this missense variant is expected to disrupt YARS protein function with a positive predictive value of 80%. In summary, the available evidence is currently insufficient to determine the role of this variant in disease. Therefore, it has been classified as a Variant of Uncertain Significance.

NM_003680.4(YARS1):c.131C>A (p.Thr44Asn)

Gene: YARS1 (tyrosyl-tRNA synthetase 1; minus strand). Cytogenetic location: 1p35.1.
Variant type: single nucleotide variant.
Coding change: c.131C>A on transcript NM_003680.4 (MANE Select); coding-DNA position 131, C replaced by A.
Protein change: p.Thr44Asn; replaces threonine 44 with asparagine.
Molecular consequence: missense variant.
Genome position (GRCh38, 1-based): chr1:32,810,984, G>T on the plus strand (C>A on the coding strand, the complement: YARS1 is on the minus strand). VCF-style: chr1-32810984-G-T. GRCh37 (hg19) VCF-style: chr1-33276585-G-T.
Other names: short protein forms T44N.
Identifiers: ClinVar variation 4740979 (VCV004740979.1).